The following is an entry in ClinVar:

ClinVar aggregate classification (germline): Uncertain significance. Review status: criteria provided, multiple submitters, no conflicts (2 of 4 stars). 2 submissions from 2 submitters: Uncertain significance (2). Last evaluated 2024-03-19.

Conditions:
Citrullinemia. Identifiers: Orphanet 187, MedGen C0175683, MONDO:0015991.

Allele frequency attached by ClinVar (database versions not stated): gnomAD 0.00001; gnomAD exomes 0.00001; TOPMed 0.00001; ExAC 0.00004.
gnomAD v4.1: 20 of 1,613,006 alleles (0.0012%); highest among the groups gnomAD compares: East Asian, 0.016%; no homozygotes.

Submissions (2):

Women's Health and Genetics/Laboratory Corporation of America, LabCorp
Classification: Uncertain significance. Last evaluated: 2024-03-19. Review status: criteria provided, single submitter. Criteria: LabCorp Variant Classification Summary - May 2015. Collection method: clinical testing. Allele origin: germline.
Comment: Variant summary: ASS1 c.133G>A (p.Glu45Lys) results in a conservative amino acid change located in the arginosuccinate synthase-like, N-terminal domain (IPR048267) of the encoded protein sequence. Three of five in-silico tools predict a benign effect of the variant on protein function. The variant allele was found at a frequency of 3.6e-05 in 250166 control chromosomes (gnomAD). The available data on variant occurrences in the general population are insufficient to allow any conclusion about variant significance. c.133G>A has been reported in the literature in the compound heterozygous state in an individual affected with Citrullinemia Type I (Xiong_2022). This report does not provide unequivocal conclusions about association of the variant with Citrullinemia Type I. To our knowledge, no experimental evidence demonstrating an impact on protein function has been reported. The following publication has been ascertained in the context of this evaluation (PMID: 36263152). ClinVar contains an entry for this variant (Variation ID: 2143798). Based on the evidence outlined above, the variant was classified as uncertain significance.

Labcorp Genetics (formerly Invitae), Labcorp
Classification: Uncertain significance for Citrullinemia. Last evaluated: 2021-12-02. Review status: criteria provided, single submitter. Criteria: Invitae Variant Classification Sherloc (09022015). Collection method: clinical testing. Allele origin: germline.
Comment: This sequence change replaces glutamic acid, which is acidic and polar, with lysine, which is basic and polar, at codon 45 of the ASS1 protein (p.Glu45Lys). This variant is present in population databases (rs766880501, gnomAD 0.03%). This variant has not been reported in the literature in individuals affected with ASS1-related conditions. Algorithms developed to predict the effect of missense changes on protein structure and function (SIFT, PolyPhen-2, Align-GVGD) all suggest that this variant is likely to be tolerated. In summary, the available evidence is currently insufficient to determine the role of this variant in disease. Therefore, it has been classified as a Variant of Uncertain Significance.

Literature cited by the submitters: PubMed 36263152 (cited by Women's Health and Genetics/Laboratory Corporation of America, LabCorp).

NM_054012.4(ASS1):c.133G>A (p.Glu45Lys)

Gene: ASS1 (argininosuccinate synthase 1; plus strand). Cytogenetic location: 9q34.11.
Variant type: single nucleotide variant.
Coding change: c.133G>A on transcript NM_054012.4 (MANE Select); coding-DNA position 133, G replaced by A.
Protein change: p.Glu45Lys; replaces glutamic acid 45 with lysine.
Molecular consequence: missense variant.
Genome position (GRCh38, 1-based): chr9:130,454,332, G>A. VCF-style: chr9-130454332-G-A. GRCh37 (hg19) VCF-style: chr9-133329719-G-A.
Other names: c.133G>A, p.Glu45Lys (NM_000050.4); short protein forms E45K.
Identifiers: ClinVar variation 2143798 (VCV002143798.3), dbSNP rs766880501, ClinGen allele CA5283162.
Genomic context (GRCh38, chr9:130,454,332, plus strand): 5'-GGCTGACGGAGCCTCTCCGCTTCTGCTTCTCAGGCCAACATTGGCCAGAAGGAAGACTTC[G>A]AGGAAGCCAGGAAGAAGGCACTGAAGCTTGGGGCCAAAAAGGTACCAGGCGGGAGGCAGG-3'
Protein context (NP_446464.1, residues 35-55): LANIGQKEDF[Glu45Lys]EARKKALKLG